The following is an entry in ClinVar:

NM_012210.4(TRIM32):c.536C>A (p.Ala179Glu)

Genes: ASTN2 (astrotactin 2; minus strand), TRIM32 (tripartite motif containing 32; plus strand). Cytogenetic location: 9q33.1.
Variant type: single nucleotide variant.
Coding change: c.536C>A on transcript NM_012210.4 (MANE Select); coding-DNA position 536, C replaced by A.
Protein change: p.Ala179Glu; replaces alanine 179 with glutamic acid.
Molecular consequence: missense variant. On other transcripts: intron variant (3).
Genome position (GRCh38, 1-based): chr9:116,698,278, C>A. VCF-style: chr9-116698278-C-A. GRCh37 (hg19) VCF-style: chr9-119460557-C-A.
Other names: c.536C>A, p.Ala179Glu (NM_001099679.2, NM_001379048.1, NM_001379049.1 and 1 more transcripts); c.2653+27493G>T (NM_014010.5); c.2794+27493G>T (NM_001365069.1); c.2806+27493G>T (NM_001365068.1); short protein forms A179E.
Identifiers: ClinVar variation 3684945 (VCV003684945.2).
Genomic context (GRCh38, chr9:116,698,278, plus strand): 5'-TTATGGGGGAGCTGCAGCGGCGGAAGGCAGCCTTGGAAGGTGTCTCCAAGGACCTTCAGG[C>A]AAGGTATAAAGCAGTTCTCCAGGAGTATGGGCATGAGGAGCGCAGGGTCCAGGATGAGCT-3'
Protein context (NP_036342.2, residues 169-189): ALEGVSKDLQ[Ala179Glu]RYKAVLQEYG

ClinVar aggregate classification (germline): Uncertain significance (1 of 4 stars; one submission).

Conditions:
Bardet-Biedl syndrome (BBS). Identifiers: Orphanet 110, MedGen C0752166, MONDO:0015229.

Submission:

Labcorp Genetics (formerly Invitae), Labcorp
Classification: Uncertain significance for Bardet-Biedl syndrome. Last evaluated: 2024-10-24. Review status: criteria provided, single submitter. Criteria: Invitae Variant Classification Sherloc (09022015). Collection method: clinical testing. Allele origin: germline.
Comment: This sequence change replaces alanine, which is neutral and non-polar, with glutamic acid, which is acidic and polar, at codon 179 of the TRIM32 protein (p.Ala179Glu). This variant is not present in population databases (gnomAD no frequency). This variant has not been reported in the literature in individuals affected with TRIM32-related conditions. An algorithm developed to predict the effect of missense changes on protein structure and function (PolyPhen-2) suggests that this variant is likely to be tolerated. In summary, the available evidence is currently insufficient to determine the role of this variant in disease. Therefore, it has been classified as a Variant of Uncertain Significance.